The following is an entry in ClinVar:

NM_002485.5(NBN):c.447C>A (p.His149Gln)

Gene: NBN (nibrin; minus strand). Cytogenetic location: 8q21.3.
Variant type: single nucleotide variant.
Coding change: c.447C>A on transcript NM_002485.5 (MANE Select); coding-DNA position 447, C replaced by A.
Protein change: p.His149Gln; replaces histidine 149 with glutamine.
Molecular consequence: missense variant.
Genome position (GRCh38, 1-based): chr8:89,980,767, G>T on the plus strand (C>A on the coding strand, the complement: NBN is on the minus strand). VCF-style: chr8-89980767-G-T. GRCh37 (hg19) VCF-style: chr8-90992995-G-T.
Other names: c.201C>A, p.His67Gln (NM_001024688.3); short protein forms H149Q, H67Q.
Identifiers: ClinVar variation 1009309 (VCV001009309.10), dbSNP rs868089138, ClinGen allele CA181280344.

ClinVar aggregate classification (germline): Uncertain significance. Review status: criteria provided, multiple submitters, no conflicts (2 of 4 stars). 2 submissions from 2 submitters: Uncertain significance (2). Last evaluated 2024-07-29.

Conditions:
Hereditary cancer-predisposing syndrome. Also called: Tumor predisposition; Hereditary Cancer Syndrome; Neoplastic Syndromes, Hereditary; Hereditary neoplastic syndrome. Identifiers: Orphanet 140162, MedGen C0027672, MeSH D009386, MONDO:0015356.
Microcephaly, normal intelligence and immunodeficiency (NBS). Also called: SEEMANOVA SYNDROME II; IMMUNODEFICIENCY, MICROCEPHALY, AND CHROMOSOMAL INSTABILITY; Ataxia telangiectasia variant V1; BERLIN BREAKAGE SYNDROME; Nijmegen breakage syndrome; Microcephaly with normal intelligence immunodeficiency and lymphoreticular malignancies. Identifiers: Orphanet 647, MedGen C0398791, MONDO:0009623, OMIM 251260.

Submissions (2):

Labcorp Genetics (formerly Invitae), Labcorp
Classification: Uncertain significance for Microcephaly, normal intelligence and immunodeficiency. Last evaluated: 2024-07-29. Review status: criteria provided, single submitter. Criteria: Invitae Variant Classification Sherloc (09022015). Collection method: clinical testing. Allele origin: germline.
Comment: This sequence change replaces histidine, which is basic and polar, with glutamine, which is neutral and polar, at codon 149 of the NBN protein (p.His149Gln). This variant is not present in population databases (gnomAD no frequency). This variant has not been reported in the literature in individuals affected with NBN-related conditions. ClinVar contains an entry for this variant (Variation ID: 1009309). An algorithm developed to predict the effect of missense changes on protein structure and function (PolyPhen-2) suggests that this variant is likely to be disruptive. In summary, the available evidence is currently insufficient to determine the role of this variant in disease. Therefore, it has been classified as a Variant of Uncertain Significance.

Ambry Genetics
Classification: Uncertain significance for Hereditary cancer-predisposing syndrome. Last evaluated: 2022-06-09. Review status: criteria provided, single submitter. Criteria: Ambry Variant Classification Scheme 2023. Collection method: clinical testing. Allele origin: germline.
Comment: The p.H149Q variant (also known as c.447C>A), located in coding exon 4 of the NBN gene, results from a C to A substitution at nucleotide position 447. The histidine at codon 149 is replaced by glutamine, an amino acid with highly similar properties. This amino acid position is highly conserved in available vertebrate species. In addition, this alteration is predicted to be deleterious by in silico analysis. Since supporting evidence is limited at this time, the clinical significance of this alteration remains unclear.